The following is an entry in ClinVar:

NM_033641.4(COL4A6):c.4333G>A (p.Gly1445Arg)

Gene: COL4A6 (collagen type IV alpha 6 chain; minus strand). Cytogenetic location: Xq22.3.
Variant type: single nucleotide variant.
Coding change: c.4333G>A on transcript NM_033641.4 (MANE Select); coding-DNA position 4333, G replaced by A.
Protein change: p.Gly1445Arg; replaces glycine 1445 with arginine.
Molecular consequence: missense variant.
Genome position (GRCh38, 1-based): chrX:108,161,619, C>T on the plus strand (G>A on the coding strand, the complement: COL4A6 is on the minus strand). VCF-style: chrX-108161619-C-T. GRCh37 (hg19) VCF-style: chrX-107404849-C-T.
Other names: c.4384G>A, p.Gly1462Arg (NM_001287758.2); c.4261G>A, p.Gly1421Arg (NM_001287759.2); c.4162G>A, p.Gly1388Arg (NM_001287760.2); c.4336G>A, p.Gly1446Arg (NM_001847.4); short protein forms G1445R, G1388R, G1446R, G1421R, G1462R.
Identifiers: ClinVar variation 3721336 (VCV003721336.2).

ClinVar aggregate classification (germline): Uncertain significance (1 of 4 stars; one submission).

Submission:

Labcorp Genetics (formerly Invitae), Labcorp
Classification: Uncertain significance. Last evaluated: 2024-11-19. Review status: criteria provided, single submitter. Criteria: Invitae Variant Classification Sherloc (09022015). Collection method: clinical testing. Allele origin: germline.
Comment: This sequence change replaces glycine, which is neutral and non-polar, with arginine, which is basic and polar, at codon 1446 of the COL4A6 protein (p.Gly1446Arg). This variant also falls at the last nucleotide of exon 42, which is part of the consensus splice site for this exon. This variant is not present in population databases (gnomAD no frequency). This variant has not been reported in the literature in individuals affected with COL4A6-related conditions. An algorithm developed to predict the effect of missense changes on protein structure and function (PolyPhen-2) suggests that this variant is likely to be disruptive. Variants that disrupt the consensus splice site are a relatively common cause of aberrant splicing (PMID: 17576681, 9536098). Algorithms developed to predict the effect of sequence changes on RNA splicing suggest that this variant may disrupt the consensus splice site. In summary, the available evidence is currently insufficient to determine the role of this variant in disease. Therefore, it has been classified as a Variant of Uncertain Significance.

Literature cited by the submitters: PubMed 17576681; PubMed 9536098.